The following is an entry in ClinVar:

NM_001008216.2(GALE):c.151C>T (p.Arg51Trp)

Gene: GALE (UDP-galactose-4-epimerase; minus strand). Cytogenetic location: 1p36.11.
Variant type: single nucleotide variant.
Coding change: c.151C>T on transcript NM_001008216.2 (MANE Select); coding-DNA position 151, C replaced by T.
Protein change: p.Arg51Trp; replaces arginine 51 with tryptophan.
Molecular consequence: missense variant.
Genome position (GRCh38, 1-based): chr1:23,798,701, G>A on the plus strand (C>T on the coding strand, the complement: GALE is on the minus strand). VCF-style: chr1-23798701-G-A. GRCh37 (hg19) VCF-style: chr1-24125191-G-A.
Other names: c.151C>T, p.Arg51Trp (NM_000403.4, NM_001127621.2); short protein forms R51W.
Identifiers: ClinVar variation 984932 (VCV000984932.18), dbSNP rs780517804, ClinGen allele CA685773.

ClinVar aggregate classification (germline): Conflicting classifications of pathogenicity. Review status: criteria provided, conflicting classifications (1 of 4 stars). 9 submissions from 9 submitters: Pathogenic (2); Likely pathogenic (4); Uncertain significance (1). 2 of the submissions do not count toward it. Last evaluated 2025-12-11.

Conditions:
UDPglucose-4-epimerase deficiency. Also called: Galactose epimerase deficiency; Epimerase Deficiency Galactosemia; UDP-GALACTOSE-4-EPIMERASE DEFICIENCY; GALACTOSEMIA III; GALE DEFICIENCY; UDPglucose 4-Epimerase Deficiency Disease. Identifiers: Orphanet 352, Orphanet 79238, MedGen C0751161, MONDO:0009257, OMIM 230350.
Thrombocytopenia 13, syndromic. Also called: THROMBOCYTOPENIA, AUTOSOMAL RECESSIVE, 13. Identifiers: MedGen C5935599, MONDO:0958333, OMIM 620776.

Allele frequency attached by ClinVar (database versions not stated): ExAC 0.00002; gnomAD 0.00002; gnomAD exomes 0.00002; TOPMed 0.00009.
gnomAD v4.1: 33 of 1,613,808 alleles (0.002%); highest among the groups gnomAD compares: Admixed American, 0.0083%; no homozygotes.

Submissions (9):

Variantyx, Inc.
Classification: Likely pathogenic for UDPglucose-4-epimerase deficiency. Last evaluated: 2025-12-11. Review status: criteria provided, single submitter. Criteria: Variantyx Assertion Criteria 2022. Collection method: clinical testing. Allele origin: germline. Inheritance: Autosomal recessive inheritance.
Comment: This is a nonsynonymous variant in the GALE gene (OMIM: 606953). Pathogenic variants in this gene have been associated with autosomal recessive galactose epimerase deficiency. This variant has been identified in the homozygous or compound heterozygous state in many individuals reported in the published literature and previous internal cases (PMID: 33510604, 30247636, 35295078, 37344829) (PM3). Functional studies have shown that this variant alters GALE protein function (PMID: 30247636) (PS3) and multiple computational algorithms predict a deleterious effect for this variant (REVEL score: 0.856) (PP3). This variant has a 0.0083% maximum allele frequency in non-founder control populations (PM2). Based on the current evidence, this variant is classified as likely pathogenic for autosomal recessive galactose epimerase deficiency.

3billion
Classification: Pathogenic for Thrombocytopenia 13, syndromic. Last evaluated: 2025-02-03. Review status: criteria provided, single submitter. Criteria: ACMG Guidelines, 2015. Collection method: clinical testing. Allele origin: germline. Affected: yes.
Comment: The variant is observed at an extremely low frequency in the gnomAD v4.1.0 dataset (total allele frequency: 0.002%). Predicted Consequence/Location: Missense variant Functional studies provide moderate evidence of the variant having a damaging effect on the gene or gene product (PMID: 30247636). In silico tool predictions suggest damaging effect of the variant on gene or gene product [REVEL: 0.86 (>=0.6, sensitivity 0.68 and specificity 0.92); 3Cnet: 0.66 (>=0.6, sensitivity 0.72 and precision 0.9)]. The same nucleotide change resulting in the same amino acid change has been previously reported as pathogenic/likely pathogenic with strong evidence (ClinVar ID: VCV000984932 /PMID: 30247636). The variant has been reported to co-segregate with the disease in at least 5 similarly affected relatives/individuals in the same family or similarly affected unrelated family (PMID: 30247636). Therefore, this variant is classified as Pathogenic according to the recommendation of ACMG/AMP guideline.

Labcorp Genetics (formerly Invitae), Labcorp
Classification: Pathogenic for UDPglucose-4-epimerase deficiency. Last evaluated: 2024-10-14. Review status: criteria provided, single submitter. Criteria: Invitae Variant Classification Sherloc (09022015). Collection method: clinical testing. Allele origin: germline.
Comment: This sequence change replaces arginine, which is basic and polar, with tryptophan, which is neutral and slightly polar, at codon 51 of the GALE protein (p.Arg51Trp). This variant is present in population databases (rs780517804, gnomAD 0.02%). This missense change has been observed in individual(s) with GALE-related conditions and/or thrombocytopenia (PMID: 30247636, 33510604). It has also been observed to segregate with disease in related individuals. ClinVar contains an entry for this variant (Variation ID: 984932). An algorithm developed to predict the effect of missense changes on protein structure and function (PolyPhen-2) suggests that this variant is likely to be disruptive. Experimental studies have shown that this missense change affects GALE function (PMID: 30247636). For these reasons, this variant has been classified as Pathogenic.

Fulgent Genetics
Classification: Likely pathogenic for UDPglucose-4-epimerase deficiency; Thrombocytopenia 13, syndromic. Last evaluated: 2024-01-24. Review status: criteria provided, single submitter. Criteria: ACMG Guidelines, 2015. Collection method: clinical testing. Allele origin: germline.

Genomic Medicine Center of Excellence, King Faisal Specialist Hospital and Research Centre
Classification: Likely pathogenic for UDPglucose-4-epimerase deficiency. Last evaluated: 2023-05-08. Review status: criteria provided, single submitter. Criteria: ACMG Guidelines, 2015. Collection method: research. Allele origin: germline. Affected: yes.

GeneDx
Classification: Uncertain significance. Last evaluated: 2022-05-17. Review status: criteria provided, single submitter. Criteria: GeneDx Variant Classification Process June 2021. Collection method: clinical testing. Allele origin: germline. Affected: yes.
Comment: Observed as in trans with a second GALE variant in a patient with pancytopenia, congenital heart defects, bone marrow dysfunction, and GALE deficiency without classic features of galactosemia in published literature (Febres-Aldana et al., 2020); Published functional studies demonstrate a damaging effect with reduced enzyme activity and thermal instability (Seo et al., 2019); This variant is associated with the following publications: (PMID: 32350996, 30247636, 33510604)

Rady Children's Institute for Genomic Medicine, Rady Children's Hospital San Diego
Classification: Likely pathogenic for GALACTOSE EPIMERASE DEFICIENCY. Last evaluated: 2019-11-11. Review status: criteria provided, single submitter. Criteria: ACMG Guidelines, 2015. Collection method: clinical testing. Allele origin: germline. Affected: yes.
Comment: This variant has been previously reported as a homozygous change in multiple affected individuals from the same kindred with histories of thrombocytopenia, intracranial bleeding, anemia, and febrile neutropenia (PMID: 30247636). The variant segregated with disease in this kindred. Functional characterization of the variant protein demonstrated significantly lower enzymatic activity and greatly increased thermal instability (PMID: 30247636). It is present in the heterozygous state in the gnomAD population database at a frequency of 0.002% (4/245814) and thus is presumed to be rare. The c.151C>T (p.Arg51Trp) variant affects a highly conserved amino acid and is predicted by multiple in silico tools to have a deleterious effect on protein function. Based on the available evidence, the c.151C>T (p.Arg51Trp) variant is classified as Likely Pathogenic.

OMIM
Classification: Pathogenic for THROMBOCYTOPENIA 13, SYNDROMIC. Last evaluated: 2024-04-05. Review status: no assertion criteria provided. Collection method: literature only. Allele origin: germline. Not counted in ClinVar's aggregate classification.

GeneReviews
No classification provided. Condition: UDPglucose-4-epimerase deficiency. Review status: no classification provided. Collection method: literature only. Allele origin: germline. Not counted in ClinVar's aggregate classification.
Comment: Segregated with thrombocytopenia in a consanguineous family

Literature cited by the submitters: PubMed 30247636 (cited by 5 submitters); PubMed 33510604 (cited by Labcorp Genetics (formerly Invitae), Labcorp and OMIM).